The following is an entry in ClinVar:

NM_012330.4(KAT6B):c.6095C>G (p.Pro2032Arg)

Gene: KAT6B (lysine acetyltransferase 6B; plus strand). Cytogenetic location: 10q22.2.
Variant type: single nucleotide variant.
Coding change: c.6095C>G on transcript NM_012330.4 (MANE Select); coding-DNA position 6095, C replaced by G.
Protein change: p.Pro2032Arg; replaces proline 2032 with arginine.
Molecular consequence: missense variant.
Genome position (GRCh38, 1-based): chr10:75,030,919, C>G. VCF-style: chr10-75030919-C-G. GRCh37 (hg19) VCF-style: chr10-76790677-C-G.
Other names: c.5546C>G, p.Pro1849Arg (NM_001256468.2, NM_001370138.1); c.5219C>G, p.Pro1740Arg (NM_001256469.2, NM_001370139.1, NM_001370140.1 and 2 more transcripts); c.5057C>G, p.Pro1686Arg (NM_001370132.1); c.4406C>G, p.Pro1469Arg (NM_001370133.1); c.4010C>G, p.Pro1337Arg (NM_001370134.1); c.3752C>G, p.Pro1251Arg (NM_001370135.1); c.6095C>G, p.Pro2032Arg (NM_001370136.1, NM_001370137.1); c.5030C>G, p.Pro1677Arg (NM_001370143.1, NM_001370144.1); short protein forms P1251R, P1337R, P1469R, P1677R, P1686R, P1740R, P1849R, P2032R.
Identifiers: ClinVar variation 5036887 (VCV005036887.1).
Genomic context (GRCh38, chr10:75,030,919, plus strand): 5'-ATATGAATCAAACGCCCCAATACCCTATGCAGATGCAGATGGGCATGATGGGCACCCAGC[C>G]ATATGCCCAGCAGCCAATGCAGACCCCACCCCACGGTAACATGATGTACACGGCCCCCGG-3'
Protein context (NP_036462.2, residues 2022-2042): QMQMGMMGTQ[Pro2032Arg]YAQQPMQTPP

ClinVar aggregate classification (germline): Uncertain significance (1 of 4 stars; one submission).

Submission:

GeneDx
Classification: Uncertain significance. Last evaluated: 2026-04-20. Review status: criteria provided, single submitter. Criteria: GeneDx Variant Classification Process June 2021. Collection method: clinical testing. Allele origin: germline.
Comment: Not observed at significant frequency in large population cohorts (gnomAD); In silico analysis supports that this missense variant has a deleterious effect on protein structure/function; Has not been previously published as pathogenic or benign to our knowledge